The following is an entry in ClinVar:

ClinVar aggregate classification (germline): Likely benign (1 of 4 stars; one submission).

Allele frequency attached by ClinVar (database versions not stated): gnomAD exomes 0.00003; ExAC 0.00007; 1000 Genomes Project 30x 0.00031; 1000 Genomes Project 0.00040.

Submission:

CeGaT Center for Human Genetics Tuebingen
Classification: Likely benign. Last evaluated: 2025-06-01. Review status: criteria provided, single submitter. Criteria: CeGaT Center For Human Genetics Tuebingen Variant Classification Criteria Version 2. Collection method: clinical testing. Allele origin: germline. Affected: yes. Observed: 2 variant alleles.
Comment: AHNAK2: BP4, BP7

NM_138420.4(AHNAK2):c.10950A>G (p.Val3650=)

Gene: AHNAK2 (AHNAK nucleoprotein 2; minus strand). Cytogenetic location: 14q32.33.
Variant type: single nucleotide variant.
Coding change: c.10950A>G on transcript NM_138420.4 (MANE Select); coding-DNA position 10950, A replaced by G.
Protein change: p.Val3650=; no amino-acid change (valine 3650 retained).
Molecular consequence: synonymous variant.
Genome position (GRCh38, 1-based): chr14:104,944,501, T>C on the plus strand (A>G on the coding strand, the complement: AHNAK2 is on the minus strand). VCF-style: chr14-104944501-T-C. GRCh37 (hg19) VCF-style: chr14-105410838-T-C.
Other names: c.10650A>G, p.Val3550= (NM_001350929.2).
Identifiers: ClinVar variation 2644656 (VCV002644656.24), dbSNP rs539291388, ClinGen allele CA7378908.